The following is an entry in ClinVar:

NM_020812.4(DOCK6):c.1083G>T (p.Leu361Phe)

Gene: DOCK6 (dedicator of cytokinesis 6; minus strand). Cytogenetic location: 19p13.2.
Variant type: single nucleotide variant.
Coding change: c.1083G>T on transcript NM_020812.4 (MANE Select); coding-DNA position 1083, G replaced by T.
Protein change: p.Leu361Phe; replaces leucine 361 with phenylalanine.
Molecular consequence: missense variant.
Genome position (GRCh38, 1-based): chr19:11,243,823, C>A on the plus strand (G>T on the coding strand, the complement: DOCK6 is on the minus strand). VCF-style: chr19-11243823-C-A. GRCh37 (hg19) VCF-style: chr19-11354499-C-A.
Other names: c.1083G>T, p.Leu361Phe (NM_001367830.1); short protein forms L361F.
Identifiers: ClinVar variation 3014488 (VCV003014488.3), dbSNP rs971636849, ClinGen allele CA305341741.

ClinVar aggregate classification (germline): Uncertain significance (1 of 4 stars; one submission).

Allele frequency attached by ClinVar (database versions not stated): gnomAD exomes 0.00001; TOPMed 0.00001; gnomAD 0.00001.
gnomAD v4.1: 11 of 1,613,022 alleles (0.00068%); highest among the groups gnomAD compares: Middle Eastern, 0.033%; no homozygotes.

Submission:

Labcorp Genetics (formerly Invitae), Labcorp
Classification: Uncertain significance. Last evaluated: 2025-09-02. Review status: criteria provided, single submitter. Criteria: Invitae Variant Classification Sherloc (09022015). Collection method: clinical testing. Allele origin: germline.
Comment: This sequence change replaces leucine, which is neutral and non-polar, with phenylalanine, which is neutral and non-polar, at codon 361 of the DOCK6 protein (p.Leu361Phe). This variant is present in population databases (no rsID available, gnomAD 0.0008%). This variant has not been reported in the literature in individuals affected with DOCK6-related conditions. ClinVar contains an entry for this variant (Variation ID: 3014488). Invitae Evidence Modeling of protein sequence and biophysical properties (such as structural, functional, and spatial information, amino acid conservation, physicochemical variation, residue mobility, and thermodynamic stability) indicates that this missense variant is not expected to disrupt DOCK6 protein function with a negative predictive value of 80%. In summary, the available evidence is currently insufficient to determine the role of this variant in disease. Therefore, it has been classified as a Variant of Uncertain Significance.